The following is an entry in ClinVar:

NM_001366521.1(ATP2B1):c.2483T>C (p.Ile828Thr)

Gene: ATP2B1 (ATPase plasma membrane Ca2+ transporting 1; minus strand). Cytogenetic location: 12q21.33.
Variant type: single nucleotide variant.
Coding change: c.2483T>C on transcript NM_001366521.1 (MANE Select); coding-DNA position 2483, T replaced by C.
Protein change: p.Ile828Thr; replaces isoleucine 828 with threonine.
Molecular consequence: missense variant. On other transcripts: non-coding transcript variant (3).
Genome position (GRCh38, 1-based): chr12:89,604,306, A>G on the plus strand (T>C on the coding strand, the complement: ATP2B1 is on the minus strand). VCF-style: chr12-89604306-A-G. GRCh37 (hg19) VCF-style: chr12-89998083-A-G.
Other names: c.2483T>C, p.Ile828Thr (NM_001001323.2, NM_001366520.1, NM_001366522.1 and 12 more transcripts); c.2285T>C, p.Ile762Thr (NM_001366530.1, NM_001413053.1); c.1922T>C, p.Ile641Thr (NM_001366531.1, NM_001366532.1, NM_001413058.1 and 2 more transcripts); c.2444T>C, p.Ile815Thr (NM_001413048.1); c.2342T>C, p.Ile781Thr (NM_001413051.1, NM_001413052.1, NM_001413055.1); c.2240T>C, p.Ile747Thr (NM_001413054.1); c.2228T>C, p.Ile743Thr (NM_001413056.1); c.2030T>C, p.Ile677Thr (NM_001413057.1); short protein forms I641T, I677T, I743T, I747T, I762T, I781T, I815T, I828T.
Identifiers: ClinVar variation 3901397 (VCV003901397.1).
Genomic context (GRCh38, chr12:89,604,306, plus strand): 5'-ACATTTCGTCCCCACATAACTGCTTTAACAATGCTTGTAAAGTTGTCATCTGTGAGAATA[A>G]TATCGGATGCTTCTTTAGCTACATCAGTTCCAGCAATACCCTGTTAAAAAAAATTTTGTG-3'
Protein context (NP_001353450.1, residues 818-838): GTDVAKEASD[Ile828Thr]ILTDDNFTSI

ClinVar aggregate classification (germline): Uncertain significance (1 of 4 stars; one submission).

Submission:

GeneDx
Classification: Uncertain significance. Last evaluated: 2024-12-07. Review status: criteria provided, single submitter. Criteria: GeneDx Variant Classification Process June 2021. Collection method: clinical testing. Allele origin: germline. Affected: yes.
Comment: Not observed at significant frequency in large population cohorts (gnomAD); In silico analysis supports that this missense variant has a deleterious effect on protein structure/function; Has not been previously published as pathogenic or benign to our knowledge